The following is an entry in ClinVar:

NM_007098.4(CLTCL1):c.3068A>T (p.Asn1023Ile)

Gene: CLTCL1 (clathrin heavy chain like 1; minus strand). Cytogenetic location: 22q11.21.
Variant type: single nucleotide variant.
Coding change: c.3068A>T on transcript NM_007098.4 (MANE Select); coding-DNA position 3068, A replaced by T.
Protein change: p.Asn1023Ile; replaces asparagine 1023 with isoleucine.
Molecular consequence: missense variant.
Genome position (GRCh38, 1-based): chr22:19,210,507, T>A on the plus strand (A>T on the coding strand, the complement: CLTCL1 is on the minus strand). VCF-style: chr22-19210507-T-A. GRCh37 (hg19) VCF-style: chr22-19198017-T-A.
Other names: NC_000022.10:g.19198017T>A; p.Asn1023Ile; c.3068A>T, p.Asn1023Ile (NM_001835.4); short protein forms N1023I.
Identifiers: ClinVar variation 3037959 (VCV003037959.4), dbSNP rs117542241, ClinGen allele CA10098197.

ClinVar aggregate classification (germline): Benign. Review status: criteria provided, single submitter (1 of 4 stars). 2 submissions from 2 submitters: Benign (1). 1 of the submissions does not count toward it. Last evaluated 2022-12-23.

Conditions:
CLTCL1-related disorder. Also called: CLTCL1-related condition.

Allele frequency attached by ClinVar (database versions not stated): 1000 Genomes Project 30x 0.00781; 1000 Genomes Project 0.00839; ExAC 0.02167; TOPMed 0.02348; gnomAD 0.02431; ESP Exome Variant Server 0.02691.
gnomAD v4.1: 54,782 of 1,612,272 alleles (3.4%); highest among the groups gnomAD compares: Non-Finnish European, 4.1%; 1,100 homozygotes.

Submissions 1 to 32 of 43:

Mayo Clinic Laboratories, Mayo Clinic
Classification: Benign. Last evaluated: 2022-12-23. Review status: criteria provided, single submitter. Criteria: ACMG Guidelines, 2015. Collection method: clinical testing. Allele origin: germline. Observed: 60 variant alleles.
Comment: BS1, BS2

PreventionGenetics, part of Exact Sciences
Classification: Benign for CLTCL1-related condition. Last evaluated: 2019-08-03. Review status: no assertion criteria provided. Collection method: clinical testing. Allele origin: germline. Not counted in ClinVar's aggregate classification.
Comment: This variant is classified as benign based on ACMG/AMP sequence variant interpretation guidelines (Richards et al. 2015 PMID: 25741868, with internal and published modifications).

Dr. Peter K. Rogan Lab, Western University
No classification provided (evidence only). Condition: Melanoma. Review status: no classification provided. Collection method: in vitro. Allele origin: not applicable. Functional consequence: retained intron. Not counted in ClinVar's aggregate classification.

Dr. Peter K. Rogan Lab, Western University
No classification provided (evidence only). Condition: Melanoma. Review status: no classification provided. Collection method: in vitro. Allele origin: not applicable. Functional consequence: retained intron. Not counted in ClinVar's aggregate classification.

Dr. Peter K. Rogan Lab, Western University
No classification provided (evidence only). Condition: Melanoma. Review status: no classification provided. Collection method: in vitro. Allele origin: not applicable. Functional consequence: retained intron. Not counted in ClinVar's aggregate classification.

Dr. Peter K. Rogan Lab, Western University
No classification provided (evidence only). Condition: Acute myeloid leukemia. Review status: no classification provided. Collection method: in vitro. Allele origin: not applicable. Functional consequence: retained intron. Not counted in ClinVar's aggregate classification.

Dr. Peter K. Rogan Lab, Western University
No classification provided (evidence only). Condition: Acute myeloid leukemia. Review status: no classification provided. Collection method: in vitro. Allele origin: not applicable. Functional consequence: retained intron. Not counted in ClinVar's aggregate classification.

Dr. Peter K. Rogan Lab, Western University
No classification provided (evidence only). Condition: Acute myeloid leukemia. Review status: no classification provided. Collection method: in vitro. Allele origin: not applicable. Functional consequence: retained intron. Not counted in ClinVar's aggregate classification.

Dr. Peter K. Rogan Lab, Western University
No classification provided (evidence only). Condition: Acute myeloid leukemia. Review status: no classification provided. Collection method: in vitro. Allele origin: not applicable. Functional consequence: retained intron. Not counted in ClinVar's aggregate classification.

Dr. Peter K. Rogan Lab, Western University
No classification provided (evidence only). Condition: Acute myeloid leukemia. Review status: no classification provided. Collection method: in vitro. Allele origin: not applicable. Functional consequence: retained intron. Not counted in ClinVar's aggregate classification.

Dr. Peter K. Rogan Lab, Western University
No classification provided (evidence only). Condition: Acute myeloid leukemia. Review status: no classification provided. Collection method: in vitro. Allele origin: not applicable. Functional consequence: retained intron. Not counted in ClinVar's aggregate classification.

Dr. Peter K. Rogan Lab, Western University
No classification provided (evidence only). Condition: Acute myeloid leukemia. Review status: no classification provided. Collection method: in vitro. Allele origin: not applicable. Functional consequence: retained intron. Not counted in ClinVar's aggregate classification.

Dr. Peter K. Rogan Lab, Western University
No classification provided (evidence only). Condition: Colon adenocarcinoma. Review status: no classification provided. Collection method: in vitro. Allele origin: not applicable. Functional consequence: retained intron. Not counted in ClinVar's aggregate classification.

Dr. Peter K. Rogan Lab, Western University
No classification provided (evidence only). Condition: Colorectal cancer. Review status: no classification provided. Collection method: in vitro. Allele origin: not applicable. Functional consequence: retained intron. Not counted in ClinVar's aggregate classification.

Dr. Peter K. Rogan Lab, Western University
No classification provided (evidence only). Condition: Cervical cancer. Review status: no classification provided. Collection method: in vitro. Allele origin: not applicable. Functional consequence: retained intron. Not counted in ClinVar's aggregate classification.

Dr. Peter K. Rogan Lab, Western University
No classification provided (evidence only). Condition: Cervical cancer. Review status: no classification provided. Collection method: in vitro. Allele origin: not applicable. Functional consequence: retained intron. Not counted in ClinVar's aggregate classification.

Dr. Peter K. Rogan Lab, Western University
No classification provided (evidence only). Condition: Sarcoma. Review status: no classification provided. Collection method: in vitro. Allele origin: not applicable. Functional consequence: retained intron. Not counted in ClinVar's aggregate classification.

Dr. Peter K. Rogan Lab, Western University
No classification provided (evidence only). Condition: Sarcoma. Review status: no classification provided. Collection method: in vitro. Allele origin: not applicable. Functional consequence: retained intron. Not counted in ClinVar's aggregate classification.

Dr. Peter K. Rogan Lab, Western University
No classification provided (evidence only). Condition: Sarcoma. Review status: no classification provided. Collection method: in vitro. Allele origin: not applicable. Functional consequence: retained intron. Not counted in ClinVar's aggregate classification.

Dr. Peter K. Rogan Lab, Western University
No classification provided (evidence only). Condition: Sarcoma. Review status: no classification provided. Collection method: in vitro. Allele origin: not applicable. Functional consequence: retained intron. Not counted in ClinVar's aggregate classification.

Dr. Peter K. Rogan Lab, Western University
No classification provided (evidence only). Condition: Sarcoma. Review status: no classification provided. Collection method: in vitro. Allele origin: not applicable. Functional consequence: retained intron. Not counted in ClinVar's aggregate classification.

Dr. Peter K. Rogan Lab, Western University
No classification provided (evidence only). Condition: Sarcoma. Review status: no classification provided. Collection method: in vitro. Allele origin: not applicable. Functional consequence: retained intron. Not counted in ClinVar's aggregate classification.

Dr. Peter K. Rogan Lab, Western University
No classification provided (evidence only). Condition: Sarcoma. Review status: no classification provided. Collection method: in vitro. Allele origin: not applicable. Functional consequence: retained intron. Not counted in ClinVar's aggregate classification.

Dr. Peter K. Rogan Lab, Western University
No classification provided (evidence only). Condition: Sarcoma. Review status: no classification provided. Collection method: in vitro. Allele origin: not applicable. Functional consequence: retained intron. Not counted in ClinVar's aggregate classification.

Dr. Peter K. Rogan Lab, Western University
No classification provided (evidence only). Condition: Hepatocellular carcinoma. Review status: no classification provided. Collection method: in vitro. Allele origin: not applicable. Functional consequence: retained intron. Not counted in ClinVar's aggregate classification.

Dr. Peter K. Rogan Lab, Western University
No classification provided (evidence only). Condition: Hepatocellular carcinoma. Review status: no classification provided. Collection method: in vitro. Allele origin: not applicable. Functional consequence: retained intron. Not counted in ClinVar's aggregate classification.

Dr. Peter K. Rogan Lab, Western University
No classification provided (evidence only). Condition: Hepatocellular carcinoma. Review status: no classification provided. Collection method: in vitro. Allele origin: not applicable. Functional consequence: retained intron. Not counted in ClinVar's aggregate classification.

Dr. Peter K. Rogan Lab, Western University
No classification provided (evidence only). Condition: Hepatocellular carcinoma. Review status: no classification provided. Collection method: in vitro. Allele origin: not applicable. Functional consequence: retained intron. Not counted in ClinVar's aggregate classification.

Dr. Peter K. Rogan Lab, Western University
No classification provided (evidence only). Condition: Nonpapillary renal cell carcinoma. Review status: no classification provided. Collection method: in vitro. Allele origin: not applicable. Functional consequence: retained intron. Not counted in ClinVar's aggregate classification.

Dr. Peter K. Rogan Lab, Western University
No classification provided (evidence only). Condition: Nonpapillary renal cell carcinoma. Review status: no classification provided. Collection method: in vitro. Allele origin: not applicable. Functional consequence: retained intron. Not counted in ClinVar's aggregate classification.

Dr. Peter K. Rogan Lab, Western University
No classification provided (evidence only). Condition: Nonpapillary renal cell carcinoma. Review status: no classification provided. Collection method: in vitro. Allele origin: not applicable. Functional consequence: retained intron. Not counted in ClinVar's aggregate classification.

Dr. Peter K. Rogan Lab, Western University
No classification provided (evidence only). Condition: Ovarian serous cystadenocarcinoma. Review status: no classification provided. Collection method: in vitro. Allele origin: not applicable. Functional consequence: retained intron. Not counted in ClinVar's aggregate classification.